The following is an entry in ClinVar:

ClinVar aggregate classification (germline): Uncertain significance. Review status: criteria provided, multiple submitters, no conflicts (2 of 4 stars). 5 submissions from 5 submitters: Uncertain significance (5). Last evaluated 2025-10-01.

Conditions:
Hereditary cancer-predisposing syndrome. Also called: Tumor predisposition; Hereditary Cancer Syndrome; Hereditary neoplastic syndrome; Neoplastic Syndromes, Hereditary. Identifiers: Orphanet 140162, MedGen C0027672, MeSH D009386, MONDO:0015356.
Familial adenomatous polyposis 3. Also called: NTHL1-associated polyposis; NTHL1-Related Adenomatous Polyposis and Colorectal Cancer; NTHL1 Tumor Syndrome; NTHL1-related attenuated familial adenomatous polyposis. Identifiers: Orphanet 220460, Orphanet 454840, MedGen C4225157, MONDO:0014630, OMIM 616415.

gnomAD v4.1: 9 of 1,611,392 alleles (0.00056%); highest among the groups gnomAD compares: Non-Finnish European, 0.00068%; no homozygotes.

Submissions (5):

Labcorp Genetics (formerly Invitae), Labcorp
Classification: Uncertain significance. Last evaluated: 2025-10-01. Review status: criteria provided, single submitter. Criteria: Invitae Variant Classification Sherloc (09022015). Collection method: clinical testing. Allele origin: germline.
Comment: This sequence change replaces alanine, which is neutral and non-polar, with glutamic acid, which is acidic and polar, at codon 213 of the NTHL1 protein (p.Ala213Glu). This variant is not present in population databases (gnomAD no frequency). This variant has not been reported in the literature in individuals affected with NTHL1-related conditions. ClinVar contains an entry for this variant (Variation ID: 1312338). An algorithm developed to predict the effect of missense changes on protein structure and function (PolyPhen-2) suggests that this variant is likely to be tolerated. In summary, the available evidence is currently insufficient to determine the role of this variant in disease. Therefore, it has been classified as a Variant of Uncertain Significance.

Ambry Genetics
Classification: Uncertain significance for Hereditary cancer-predisposing syndrome. Last evaluated: 2024-05-25. Review status: criteria provided, single submitter. Criteria: Ambry Variant Classification Scheme 2023. Collection method: clinical testing. Allele origin: germline.
Comment: The p.A213E variant (also known as c.638C>A), located in coding exon 4 of the NTHL1 gene, results from a C to A substitution at nucleotide position 638. The alanine at codon 213 is replaced by glutamic acid, an amino acid with dissimilar properties. This amino acid position is conserved. In addition, this alteration is predicted to be tolerated by in silico analysis. Since supporting evidence is limited at this time, the clinical significance of this alteration remains unclear.

Baylor Genetics
Classification: Uncertain significance for Familial adenomatous polyposis 3. Last evaluated: 2024-01-08. Review status: criteria provided, single submitter. Criteria: ACMG Guidelines, 2015. Collection method: clinical testing. Allele origin: unknown.

Fulgent Genetics
Classification: Uncertain significance for Familial adenomatous polyposis 3. Last evaluated: 2022-02-17. Review status: criteria provided, single submitter. Criteria: ACMG Guidelines, 2015. Collection method: clinical testing. Allele origin: unknown.

GeneDx
Classification: Uncertain significance. Last evaluated: 2019-09-16. Review status: criteria provided, single submitter. Criteria: GeneDx Variant Classification Process June 2021. Collection method: clinical testing. Allele origin: germline. Affected: yes.
Comment: Not observed in large population cohorts (Lek 2016); In silico analysis, which includes protein predictors and evolutionary conservation, supports that this variant does not alter protein structure/function; Has not been previously published as pathogenic or benign to our knowledge

NM_002528.7(NTHL1):c.614C>A (p.Ala205Glu)

Gene: NTHL1 (nth like DNA glycosylase 1; minus strand). Cytogenetic location: 16p13.3.
Variant type: single nucleotide variant.
Coding change: c.614C>A on transcript NM_002528.7 (MANE Select); coding-DNA position 614, C replaced by A.
Protein change: p.Ala205Glu; replaces alanine 205 with glutamic acid.
Molecular consequence: missense variant.
Genome position (GRCh38, 1-based): chr16:2,043,638, G>T on the plus strand (C>A on the coding strand, the complement: NTHL1 is on the minus strand). VCF-style: chr16-2043638-G-T. GRCh37 (hg19) VCF-style: chr16-2093639-G-T.
Other names: c.443C>A, p.Ala148Glu (NM_001318193.2); c.284C>A, p.Ala95Glu (NM_001318194.2); short protein forms A95E, A148E, A205E.
Identifiers: ClinVar variation 1312338 (VCV001312338.12), dbSNP rs748719278, ClinGen allele CA394291456.